The following is an entry in ClinVar:

ClinVar aggregate classification (germline): Uncertain significance. Review status: criteria provided, multiple submitters, no conflicts (2 of 4 stars). 4 submissions from 4 submitters: Uncertain significance (4). Last evaluated 2025-07-02.

Conditions:
Autosomal recessive distal spinal muscular atrophy 1. Also called: Spinal muscular atrophy with respiratory distress 1; NEURONOPATHY, SEVERE INFANTILE AXONAL, WITH RESPIRATORY FAILURE; SEVERE INFANTILE AXONAL NEUROPATHY WITH RESPIRATORY FAILURE; SPINAL MUSCULAR ATROPHY, DIAPHRAGMATIC; NEURONOPATHY, DISTAL HEREDITARY MOTOR, HARDING TYPE VI; NEUROPATHY, DISTAL HEREDITARY MOTOR, AUTOSOMAL RECESSIVE 1. Identifiers: Orphanet 98920, MedGen C1858517, MONDO:0011436, OMIM 604320.
Inborn genetic diseases. Identifiers: MedGen C0950123, MeSH D030342.
Charcot-Marie-Tooth disease axonal type 2S. Also called: CHARCOT-MARIE-TOOTH NEUROPATHY, TYPE 2S; CHARCOT-MARIE-TOOTH DISEASE, AXONAL, AUTOSOMAL RECESSIVE, TYPE 2S. Identifiers: Orphanet 443073, MedGen C4015349, MONDO:0014511, OMIM 616155.

Allele frequency attached by ClinVar (database versions not stated): gnomAD 0.00001 and 0.00002; ExAC 0.00002; gnomAD exomes 0.00005.
gnomAD v4.1: 25 of 1,614,054 alleles (0.0015%); highest among the groups gnomAD compares: Admixed American, 0.022%; no homozygotes.

Submissions (4):

Ambry Genetics
Classification: Uncertain significance for Inborn genetic diseases. Last evaluated: 2025-07-02. Review status: criteria provided, single submitter. Criteria: Ambry Variant Classification Scheme 2023. Collection method: clinical testing. Allele origin: germline.

Labcorp Genetics (formerly Invitae), Labcorp
Classification: Uncertain significance for Autosomal recessive distal spinal muscular atrophy 1; Charcot-Marie-Tooth disease axonal type 2S. Last evaluated: 2024-02-23. Review status: criteria provided, single submitter. Criteria: Invitae Variant Classification Sherloc (09022015). Collection method: clinical testing. Allele origin: germline.
Comment: This sequence change replaces glutamic acid, which is acidic and polar, with lysine, which is basic and polar, at codon 340 of the IGHMBP2 protein (p.Glu340Lys). This variant is present in population databases (rs750580259, gnomAD 0.03%). This variant has not been reported in the literature in individuals affected with IGHMBP2-related conditions. ClinVar contains an entry for this variant (Variation ID: 569720). Advanced modeling of protein sequence and biophysical properties (such as structural, functional, and spatial information, amino acid conservation, physicochemical variation, residue mobility, and thermodynamic stability) performed at Invitae indicates that this missense variant is not expected to disrupt IGHMBP2 protein function with a negative predictive value of 95%. In summary, the available evidence is currently insufficient to determine the role of this variant in disease. Therefore, it has been classified as a Variant of Uncertain Significance.

Fulgent Genetics
Classification: Uncertain significance for Autosomal recessive distal spinal muscular atrophy 1; Charcot-Marie-Tooth disease axonal type 2S. Last evaluated: 2021-09-15. Review status: criteria provided, single submitter. Criteria: ACMG Guidelines, 2015. Collection method: clinical testing. Allele origin: unknown.

Illumina Laboratory Services, Illumina
Classification: Uncertain significance for Autosomal recessive distal spinal muscular atrophy 1. Last evaluated: 2018-01-13. Review status: criteria provided, single submitter. Criteria: ICSL Variant Classification Criteria 13 December 2019. Collection method: clinical testing. Allele origin: germline.

NM_002180.3(IGHMBP2):c.1018G>A (p.Glu340Lys)

Gene: IGHMBP2 (immunoglobulin mu DNA binding protein 2; plus strand). Cytogenetic location: 11q13.3.
Variant type: single nucleotide variant.
Coding change: c.1018G>A on transcript NM_002180.3 (MANE Select); coding-DNA position 1018, G replaced by A.
Protein change: p.Glu340Lys; replaces glutamic acid 340 with lysine.
Molecular consequence: missense variant.
Genome position (GRCh38, 1-based): chr11:68,917,841, G>A. VCF-style: chr11-68917841-G-A. GRCh37 (hg19) VCF-style: chr11-68685309-G-A.
Other names: short protein forms E340K.
Identifiers: ClinVar variation 569720 (VCV000569720.11), dbSNP rs750580259, ClinGen allele CA6153476.